The following is an entry in ClinVar:

NM_001385641.1(SAMD11):c.1849A>G (p.Arg617Gly)

Gene: SAMD11 (sterile alpha motif domain containing 11; plus strand). Cytogenetic location: 1p36.33.
Variant type: single nucleotide variant.
Coding change: c.1849A>G on transcript NM_001385641.1 (MANE Select); coding-DNA position 1849, A replaced by G.
Protein change: p.Arg617Gly; replaces arginine 617 with glycine.
Molecular consequence: missense variant.
Genome position (GRCh38, 1-based): chr1:942,854, A>G. VCF-style: chr1-942854-A-G. GRCh37 (hg19) VCF-style: chr1-878234-A-G.
Other names: c.1852A>G, p.Arg618Gly (NM_001385640.1); c.1360A>G, p.Arg454Gly (NM_152486.4); short protein forms R454G, R617G, R618G.
Identifiers: ClinVar variation 1714234 (VCV001714234.5), dbSNP rs1641873718, ClinGen allele CA337811601.
Genomic context (GRCh38, chr1:942,854, plus strand): 5'-AAGGGGGGTCCCGGCCCTGCCTCAGCGCGGCCCAGCGAGTCCAAGGAGATGACGGGGGCT[A>G]GGCTCTGGGCACAAGATGGCTCGGAAGACGAGCCCCCCAAAGACTCGGACGGAGAGGACC-3'
Protein context (NP_001372570.1, residues 607-627): PSESKEMTGA[Arg617Gly]LWAQDGSEDE

ClinVar aggregate classification (germline): Uncertain significance (1 of 4 stars; one submission).

Allele frequency attached by ClinVar (database versions not stated): gnomAD exomes below 0.00001.

Submission:

Labcorp Genetics (formerly Invitae), Labcorp
Classification: Uncertain significance. Last evaluated: 2022-11-08. Review status: criteria provided, single submitter. Criteria: Invitae Variant Classification Sherloc (09022015). Collection method: clinical testing. Allele origin: germline.
Comment: Algorithms developed to predict the effect of missense changes on protein structure and function output the following: SIFT: "Tolerated"; PolyPhen-2: "Benign"; Align-GVGD: "Class C0". The glycine amino acid residue is found in multiple mammalian species, which suggests that this missense change does not adversely affect protein function. This sequence change replaces arginine, which is basic and polar, with glycine, which is neutral and non-polar, at codon 454 of the SAMD11 protein (p.Arg454Gly). This variant is not present in population databases (gnomAD no frequency). This variant has not been reported in the literature in individuals affected with SAMD11-related conditions. In summary, the available evidence is currently insufficient to determine the role of this variant in disease. Therefore, it has been classified as a Variant of Uncertain Significance.